The following is an entry in ClinVar:

ClinVar aggregate classification (germline): Uncertain significance (1 of 4 stars; one submission).

gnomAD v4.1: 7 of 1,612,760 alleles (0.00043%); highest among the groups gnomAD compares: Non-Finnish European, 0.00059%; no homozygotes.

Submission:

Labcorp Genetics (formerly Invitae), Labcorp
Classification: Uncertain significance. Last evaluated: 2024-06-21. Review status: criteria provided, single submitter. Criteria: Invitae Variant Classification Sherloc (09022015). Collection method: clinical testing. Allele origin: germline.
Comment: This sequence change replaces proline, which is neutral and non-polar, with serine, which is neutral and polar, at codon 1196 of the COL11A1 protein (p.Pro1196Ser). This variant is not present in population databases (gnomAD no frequency). This variant has not been reported in the literature in individuals affected with COL11A1-related conditions. Advanced modeling of protein sequence and biophysical properties (such as structural, functional, and spatial information, amino acid conservation, physicochemical variation, residue mobility, and thermodynamic stability) has been performed at Invitae for this missense variant, however the output from this modeling did not meet the statistical confidence thresholds required to predict the impact of this variant on COL11A1 protein function. In summary, the available evidence is currently insufficient to determine the role of this variant in disease. Therefore, it has been classified as a Variant of Uncertain Significance.

NM_001854.4(COL11A1):c.3586C>T (p.Pro1196Ser)

Gene: COL11A1 (collagen type XI alpha 1 chain; minus strand). Cytogenetic location: 1p21.1.
Variant type: single nucleotide variant.
Coding change: c.3586C>T on transcript NM_001854.4 (MANE Select); coding-DNA position 3586, C replaced by T.
Protein change: p.Pro1196Ser; replaces proline 1196 with serine.
Molecular consequence: missense variant. On other transcripts: non-coding transcript variant (1).
Genome position (GRCh38, 1-based): chr1:102,934,463, G>A on the plus strand (C>T on the coding strand, the complement: COL11A1 is on the minus strand). VCF-style: chr1-102934463-G-A. GRCh37 (hg19) VCF-style: chr1-103400019-G-A.
Other names: c.3469C>T, p.Pro1157Ser (NM_001190709.2); c.3622C>T, p.Pro1208Ser (NM_080629.3); c.3238C>T, p.Pro1080Ser (NM_080630.4); short protein forms P1080S, P1196S, P1157S, P1208S.
Identifiers: ClinVar variation 3669645 (VCV003669645.2).
Genomic context (GRCh38, chr1:102,934,463, plus strand): 5'-GAAGTAGGTAGAAATGATGGAGTAAACAATGACAGGATCATCTTACCTGAAGACCTATTG[G>A]ACCAGGAGGTCCAGGGAAGCCTCTGGCACCCTCATCACCTTTTTGCCCAAACATCCCCTG-3'
Protein context (NP_001845.3, residues 1186-1206): GARGFPGPPG[Pro1196Ser]IGLQGLPGPP